The following is an entry in ClinVar:

NM_000340.2(SLC2A2):c.1118T>C (p.Met373Thr)

Gene: SLC2A2 (solute carrier family 2 member 2; minus strand). Cytogenetic location: 3q26.2.
Variant type: single nucleotide variant.
Coding change: c.1118T>C on transcript NM_000340.2 (MANE Select); coding-DNA position 1118, T replaced by C.
Protein change: p.Met373Thr; replaces methionine 373 with threonine.
Molecular consequence: missense variant.
Genome position (GRCh38, 1-based): chr3:170,999,117, A>G on the plus strand (T>C on the coding strand, the complement: SLC2A2 is on the minus strand). VCF-style: chr3-170999117-A-G. GRCh37 (hg19) VCF-style: chr3-170716906-A-G.
Other names: c.761T>C, p.Met254Thr (NM_001278658.2); c.599T>C, p.Met200Thr (NM_001278659.2); short protein forms M200T, M254T, M373T.
Identifiers: ClinVar variation 1009425 (VCV001009425.8), dbSNP rs1715228241, ClinGen allele CA355486568.

ClinVar aggregate classification (germline): Uncertain significance (1 of 4 stars; one submission).

Conditions:
Fanconi-Bickel syndrome (FBS). Also called: Glycogen storage disease due to GLUT2 deficiency; FANCONI SYNDROME WITH INTESTINAL MALABSORPTION AND GALACTOSE INTOLERANCE; HEPATIC GLYCOGENOSIS WITH AMINO ACIDURIA AND GLUCOSURIA; HEPATIC GLYCOGENOSIS WITH FANCONI NEPHROPATHY; HEPATORENAL GLYCOGENOSIS WITH RENAL FANCONI SYNDROME; PSEUDO-PHLORIZIN DIABETES. Identifiers: Orphanet 2088, MedGen C3495427, MONDO:0009216, OMIM 227810.

Submission:

Labcorp Genetics (formerly Invitae), Labcorp
Classification: Uncertain significance for Fanconi-Bickel syndrome. Last evaluated: 2020-04-21. Review status: criteria provided, single submitter. Criteria: Invitae Variant Classification Sherloc (09022015). Collection method: clinical testing. Allele origin: germline.
Comment: This sequence change replaces methionine with threonine at codon 373 of the SLC2A2 protein (p.Met373Thr). The methionine residue is moderately conserved and there is a moderate physicochemical difference between methionine and threonine. This variant is not present in population databases (ExAC no frequency). This variant has not been reported in the literature in individuals with SLC2A2-related conditions. Algorithms developed to predict the effect of missense changes on protein structure and function (SIFT, PolyPhen-2, Align-GVGD) all suggest that this variant is likely to be disruptive, but these predictions have not been confirmed by published functional studies and their clinical significance is uncertain. In summary, the available evidence is currently insufficient to determine the role of this variant in disease. Therefore, it has been classified as a Variant of Uncertain Significance.